The following is an entry in ClinVar:

ClinVar aggregate classification (germline): Uncertain significance (1 of 4 stars; one submission).

gnomAD v4.1: 1 of 1,597,468 alleles (0.000063%); highest among the groups gnomAD compares: Admixed American, 0.0017%; no homozygotes.

Submission:

Women's Health and Genetics/Laboratory Corporation of America, LabCorp
Classification: Uncertain significance. Last evaluated: 2026-05-11. Review status: criteria provided, single submitter. Criteria: LabCorp Variant Classification Summary - May 2015. Collection method: clinical testing. Allele origin: germline.
Comment: Variant summary: TRPM3 c.3404A>T (p.Asp1135Val) results in a non-conservative amino acid change in the encoded protein sequence. Algorithms developed to predict the effect of missense changes on protein structure and function are either unavailable or do not agree on the potential impact of this missense change. The variant was absent in 245760 control chromosomes. The available data on variant occurrences in the general population are insufficient to allow any conclusion about variant significance. To our knowledge, no occurrence of c.3404A>T in individuals affected with TRPM3-related conditions and no experimental evidence demonstrating its impact on protein function have been reported. No submitters have cited clinical-significance assessments for this variant to ClinVar. Based on the evidence outlined above, the variant was classified as uncertain significance.

NM_001366145.2(TRPM3):c.3899A>T (p.Asp1300Val)

Genes: KLF9-DT (KLF9 divergent transcript; plus strand), TRPM3 (transient receptor potential cation channel subfamily M member 3; minus strand). Cytogenetic location: 9q21.12.
Variant type: single nucleotide variant.
Coding change: c.3899A>T on transcript NM_001366145.2 (MANE Select); coding-DNA position 3899, A replaced by T.
Protein change: p.Asp1300Val; replaces aspartic acid 1300 with valine.
Molecular consequence: missense variant.
Genome position (GRCh38, 1-based): chr9:70,537,214, T>A on the plus strand (A>T on the coding strand, the complement: TRPM3 is on the minus strand). VCF-style: chr9-70537214-T-A. GRCh37 (hg19) VCF-style: chr9-73152130-T-A.
Other names: c.3863A>T, p.Asp1288Val (NM_001007471.4, NM_001366151.2); c.3869A>T, p.Asp1290Val (NM_001366141.2, NM_001366143.2, NM_001366149.2); c.3905A>T, p.Asp1302Val (NM_001366142.2); c.3899A>T, p.Asp1300Val (NM_001366146.2); c.3974A>T, p.Asp1325Val (NM_001366147.2, NM_001366152.2); c.3944A>T, p.Asp1315Val (NM_001366148.2); c.3833A>T, p.Asp1278Val (NM_001366150.2); c.3440A>T, p.Asp1147Val (NM_001366154.2, NM_024971.7); and 5 more; short protein forms D1125V, D1135V, D1137V, D1147V, D1150V, D1160V, D1278V, D1288V.
Identifiers: ClinVar variation 4853315 (VCV004853315.1).
Genomic context (GRCh38, chr9:70,537,214, plus strand): 5'-GTGTTCCCTTCCTGGCTGTTGAAGCTGCTCTGACGGACAATGTAGGCGGCGTCCGTGCAG[T>A]CTGACGAGGTCCTCGAGCGGATTTTGTTGGACTCGGCCCGCTCCAGACCTGTCAGGCGCT-3'
Protein context (NP_001353074.1, residues 1290-1310): SNKIRSRTSS[Asp1300Val]CTDAAYIVRQ